The following is an entry in ClinVar:

NM_000051.4(ATM):c.1607+10G>C

Gene: ATM (ATM serine/threonine kinase; plus strand). Cytogenetic location: 11q22.3.
Variant type: single nucleotide variant.
Coding change: c.1607+10G>C on transcript NM_000051.4 (MANE Select); 10 bases into the intron after coding-DNA position 1607, G replaced by C.
Molecular consequence: intron variant.
Genome position (GRCh38, 1-based): chr11:108,251,082, G>C. VCF-style: chr11-108251082-G-C. GRCh37 (hg19) VCF-style: chr11-108121809-G-C.
Other names: c.1607+10G>C (NM_001351834.2).
Identifiers: ClinVar variation 490426 (VCV000490426.7), dbSNP rs1555071298, ClinGen allele CA658683709.
Genomic context (GRCh38, chr11:108,251,082, plus strand): 5'-TGACAGAGAATTCTGGAAGTTATTTACTGGGTCAGCCTGCAGACCTTCATGGTAAGTTCA[G>C]CATGCATTATGTCTGACTTACAGATAAACACACACAGACACACACACACTCACATATCCC-3'

ClinVar aggregate classification (germline): Likely benign. Review status: criteria provided, multiple submitters, no conflicts (2 of 4 stars). 3 submissions from 3 submitters: Likely benign (3). Last evaluated 2024-04-30.

Conditions:
Hereditary cancer-predisposing syndrome. Also called: Tumor predisposition; Neoplastic Syndromes, Hereditary; Hereditary Cancer Syndrome; Hereditary neoplastic syndrome. Identifiers: Orphanet 140162, MedGen C0027672, MeSH D009386, MONDO:0015356.
Familial cancer of breast. Also called: BREAST CANCER, FAMILIAL; hereditary breast carcinoma; Hereditary breast cancer. Identifiers: Orphanet 227535, MedGen C0346153, MONDO:0016419, OMIM 114480. Disease mechanism: loss of function.
Ataxia-telangiectasia syndrome (AT). Also called: Ataxia-telangiectasia; Ataxia-telangiectasia, complementation group D; AT, COMPLEMENTATION GROUP C; LOUIS-BAR SYNDROME; Cerebello-oculocutaneous telangiectasia; Immunodeficiency with ataxia telangiectasia. Identifiers: Orphanet 100, MedGen C0004135, MONDO:0008840, OMIM 208900.

Submissions (3):

Myriad Genetics, Inc.
Classification: Likely benign for Familial cancer of breast. Last evaluated: 2024-04-30. Review status: criteria provided, single submitter. Criteria: Myriad Autosomal Dominant, Autosomal Recessive and X-Linked Classification Criteria (2023). Collection method: clinical testing. Allele origin: unknown.
Comment: This variant is considered likely benign. This variant is intronic and is not expected to impact mRNA splicing.

Labcorp Genetics (formerly Invitae), Labcorp
Classification: Likely benign for Ataxia-telangiectasia syndrome. Last evaluated: 2022-11-28. Review status: criteria provided, single submitter. Criteria: Invitae Variant Classification Sherloc (09022015). Collection method: clinical testing. Allele origin: germline.

Color Diagnostics, LLC DBA Color Health
Classification: Likely benign for Hereditary cancer-predisposing syndrome. Last evaluated: 2017-03-20. Review status: criteria provided, single submitter. Criteria: ACMG Guidelines, 2015. Collection method: clinical testing. Allele origin: germline.